The following is an entry in ClinVar:

NM_001754.5(RUNX1):c.633T>C (p.Asp211=)

Gene: RUNX1 (RUNX family transcription factor 1; minus strand). Cytogenetic location: 21q22.12.
Variant type: single nucleotide variant.
Coding change: c.633T>C on transcript NM_001754.5 (MANE Select); coding-DNA position 633, T replaced by C.
Protein change: p.Asp211=; no amino-acid change (aspartic acid 211 retained).
Molecular consequence: synonymous variant.
Genome position (GRCh38, 1-based): chr21:34,834,582, A>G on the plus strand (T>C on the coding strand, the complement: RUNX1 is on the minus strand). VCF-style: chr21-34834582-A-G. GRCh37 (hg19) VCF-style: chr21-36206879-A-G.
Other names: NM_001754.5(RUNX1):c.633T>C; p.Asp211=; c.552T>C, p.Asp184= (NM_001001890.3, NM_001122607.2).
Identifiers: ClinVar variation 1934143 (VCV001934143.7), dbSNP rs2517041964, ClinGen allele CA512318705.

ClinVar aggregate classification (germline): Likely benign. Review status: reviewed by expert panel (3 of 4 stars). 3 submissions from 3 submitters: Likely benign (1). 2 of the submissions do not count toward it. Last evaluated 2024-09-10.

Conditions:
Hereditary thrombocytopenia and hematologic cancer predisposition syndrome. Identifiers: Orphanet 71290, MedGen CN281654, MONDO:0011071.
Inborn genetic diseases. Identifiers: MedGen C0950123, MeSH D030342.
Hereditary thrombocytopenia and hematological cancer predisposition syndrome associated with RUNX1. Also called: RUNX1 Familial Platelet Disorder with Associated Myeloid Malignancies; Familial Platelet Disorder with Propensity to Acute Myelogenous Leukemia; Familial thrombocytopenia with propensity to acute myelogenous leukemia; PLATELET DISORDER, ASPIRIN-LIKE. Identifiers: Orphanet 71290, MedGen C1832388, MeSH C563324, MONDO:0100083, OMIM 601399.

Submissions (3):

ClinGen Myeloid Malignancy Variant Curation Expert Panel
Classification: Likely benign for Hereditary thrombocytopenia and hematologic cancer predisposition syndrome. Last evaluated: 2024-09-10. Review status: reviewed by expert panel. Criteria: ClinGen MyeloMalig ACMG Specifications v2. Collection method: curation. Allele origin: germline. Inheritance: Autosomal dominant inheritance.
Comment: NM_001754.5(RUNX1):c.633T>C (p.Asp211=) is a synonymous variant which has a SpliceAI score ≤ 0.20 (0.01) (BP4). This variant has a SpliceAI score ≤ 0.20 and evolutionary conservation algorithms predict the site as not being conserved (PhyloP score ≤ 2.0 (1.56)) (BP7). This variant is completely absent from all population databases with at least 20x coverage for RUNX1 (PM2_Supporting). In summary, this variant meets criteria to be classified as likely benign. ACMG/AMP criteria applied, as specified by the Myeloid Malignancy Variant Curation Expert Panel for RUNX1: BP4, BP7, PM2_supporting.

Ambry Genetics
Classification: Likely benign for Inborn genetic diseases. Last evaluated: 2025-03-22. Review status: criteria provided, single submitter. Criteria: Ambry Variant Classification Scheme 2023. Collection method: clinical testing. Allele origin: germline. Not counted in ClinVar's aggregate classification.

Labcorp Genetics (formerly Invitae), Labcorp
Classification: Likely benign for Hereditary thrombocytopenia and hematological cancer predisposition syndrome associated with RUNX1. Last evaluated: 2022-04-29. Review status: criteria provided, single submitter. Criteria: Invitae Variant Classification Sherloc (09022015). Collection method: clinical testing. Allele origin: germline. Not counted in ClinVar's aggregate classification.